The following is an entry in ClinVar:

ClinVar aggregate classification (germline): Likely benign (1 of 4 stars; one submission).

Submission:

GeneDx
Classification: Likely benign. Last evaluated: 2017-07-12. Review status: criteria provided, single submitter. Criteria: GeneDx Variant Classification (06012015). Collection method: clinical testing. Allele origin: germline. Affected: yes.
Comment: This variant is considered likely benign or benign based on one or more of the following criteria: it is a conservative change, it occurs at a poorly conserved position in the protein, it is predicted to be benign by multiple in silico algorithms, and/or has population frequency not consistent with disease.

NM_000642.3(AGL):c.847-20dup

Gene: AGL (amylo-alpha-1, 6-glucosidase, 4-alpha-glucanotransferase; plus strand). Cytogenetic location: 1p21.2.
Variant type: Duplication.
Coding change: c.847-20dup on transcript NM_000642.3 (MANE Select); 20 bases into the intron before coding-DNA position 847, one base duplicated (T; older notation c.847-20dupT).
Molecular consequence: intron variant.
Genome position (GRCh38, 1-based): chr1:99,870,738, T duplicated; the last of 6 consecutive T bases (chr1:99,870,733-99,870,738); duplicating any one gives the same sequence. VCF-style (leftmost placement, unchanged base first): chr1-99870732-A-AT. GRCh37 (hg19) VCF-style: chr1-100336288-A-AT.
Other names: c.847-20dupT (NM_000642.2); c.847-20dup (NM_000643.3, NM_000644.3, NM_001425326.1 and 3 more transcripts); c.799-20dup (NM_000646.3); c.643-20dup (NM_001425328.1, NM_001425329.1); c.469-20dup (NM_001425332.1).
Identifiers: ClinVar variation 510786 (VCV000510786.1), dbSNP rs771807071, ClinGen allele CA966293.